The following is an entry in ClinVar:

ClinVar aggregate classification (germline): Benign (1 of 4 stars; one submission).

Conditions:
Pseudohypoaldosteronism type 2D (PHA2D). Also called: FAMILIAL HYPERKALEMIC HYPERTENSION; PSEUDOHYPOALDOSTERONISM, TYPE IID, AUTOSOMAL DOMINANT OR RECESSIVE; Pseudohypoaldosteronism Type IID. Identifiers: Orphanet 300525, Orphanet 757, MedGen C3469605, MONDO:0013781, OMIM 614495.

Allele frequency attached by ClinVar (database versions not stated): 1000 Genomes Project 0.29553; 1000 Genomes Project 30x 0.29606; TOPMed 0.40425; gnomAD 0.43178 and 0.43675; gnomAD exomes 0.71429.
gnomAD v4.1: 65,877 of 152,030 alleles (43%); highest among the groups gnomAD compares: Non-Finnish European, 56%; 16,708 homozygotes.

Submission:

Illumina Laboratory Services, Illumina
Classification: Benign for Pseudohypoaldosteronism type 2D. Last evaluated: 2018-01-13. Review status: criteria provided, single submitter. Criteria: ICSL Variant Classification Criteria 13 December 2019. Collection method: clinical testing. Allele origin: germline.
Comment: This variant was observed in the ICSL laboratory as part of a predisposition screen in an ostensibly healthy population. It had not been previously curated by ICSL or reported in the Human Gene Mutation Database (HGMD: prior to June 1st, 2018), and was therefore a candidate for classification through an automated scoring system. Utilizing variant allele frequency, disease prevalence and penetrance estimates, and inheritance mode, an automated score was calculated to assess if this variant is too frequent to cause the disease. Based on the score and internal cut-off values, a variant classified as benign is not then subjected to further curation. The score for this variant resulted in a classification of benign for this disease.

NM_017415.3(KLHL3):c.*1310C>T

Gene: KLHL3 (kelch like family member 3; minus strand). Cytogenetic location: 5q31.2.
Variant type: single nucleotide variant.
Coding change: c.*1310C>T on transcript NM_017415.3 (MANE Select); 1310 bases downstream of the stop codon, C replaced by T.
Molecular consequence: 3 prime UTR variant.
Genome position (GRCh38, 1-based): chr5:137,620,788, G>A on the plus strand (C>T on the coding strand, the complement: KLHL3 is on the minus strand). VCF-style: chr5-137620788-G-A. GRCh37 (hg19) VCF-style: chr5-136956477-G-A.
Other names: c.*1310C>T (NM_001257194.1, NM_001257195.2).
Identifiers: ClinVar variation 350965 (VCV000350965.6), dbSNP rs2057680, ClinGen allele CA10622788.